The following is an entry in ClinVar:

NM_080473.5(GATA5):c.1181T>C (p.Leu394Pro)

Gene: GATA5 (GATA binding protein 5; minus strand). Cytogenetic location: 20q13.33.
Variant type: single nucleotide variant.
Coding change: c.1181T>C on transcript NM_080473.5 (MANE Select); coding-DNA position 1181, T replaced by C.
Protein change: p.Leu394Pro; replaces leucine 394 with proline.
Molecular consequence: missense variant.
Genome position (GRCh38, 1-based): chr20:62,464,849, A>G on the plus strand (T>C on the coding strand, the complement: GATA5 is on the minus strand). VCF-style: chr20-62464849-A-G. GRCh37 (hg19) VCF-style: chr20-61039905-A-G.
Other names: short protein forms L394P.
Identifiers: ClinVar variation 809264 (VCV000809264.43), dbSNP rs1555895853, ClinGen allele CA409551576.

ClinVar aggregate classification (germline): Uncertain significance. Review status: criteria provided, multiple submitters, no conflicts (2 of 4 stars). 2 submissions from 2 submitters: Uncertain significance (2). Last evaluated 2025-11-02.

Allele frequency attached by ClinVar (database versions not stated): gnomAD exomes below 0.00001 and 0.00002.
gnomAD v4.1: 22 of 1,603,642 alleles (0.0014%); highest among the groups gnomAD compares: South Asian, 0.0022%; no homozygotes.

Submissions (2):

Labcorp Genetics (formerly Invitae), Labcorp
Classification: Uncertain significance. Last evaluated: 2025-11-02. Review status: criteria provided, single submitter. Criteria: Invitae Variant Classification Sherloc (09022015). Collection method: clinical testing. Allele origin: germline.
Comment: This sequence change replaces leucine, which is neutral and non-polar, with proline, which is neutral and non-polar, at codon 394 of the GATA5 protein (p.Leu394Pro). The frequency data for this variant in the population databases is considered unreliable, as metrics indicate poor data quality at this position in the gnomAD database. This variant has not been reported in the literature in individuals affected with GATA5-related conditions. ClinVar contains an entry for this variant (Variation ID: 809264). An algorithm developed to predict the effect of missense changes on protein structure and function (PolyPhen-2) suggests that this variant is likely to be disruptive. In summary, the available evidence is currently insufficient to determine the role of this variant in disease. Therefore, it has been classified as a Variant of Uncertain Significance.

CeGaT Center for Human Genetics Tuebingen
Classification: Uncertain significance. Last evaluated: 2016-07-01. Review status: criteria provided, single submitter. Criteria: CeGaT Center For Human Genetics Tuebingen Variant Classification Criteria Version 2. Collection method: clinical testing. Allele origin: germline. Affected: yes. Observed: 1 variant allele.